The following is an entry in ClinVar:

NM_007289.4(MME):c.280C>T (p.Arg94Cys)

Gene: MME (membrane metalloendopeptidase; plus strand). Cytogenetic location: 3q25.2.
Variant type: single nucleotide variant.
Coding change: c.280C>T on transcript NM_007289.4 (MANE Select); coding-DNA position 280, C replaced by T.
Protein change: p.Arg94Cys; replaces arginine 94 with cysteine.
Molecular consequence: missense variant.
Genome position (GRCh38, 1-based): chr3:155,115,077, C>T. VCF-style: chr3-155115077-C-T. GRCh37 (hg19) VCF-style: chr3-154832866-C-T.
Other names: c.280C>T (NM_007289.2); c.280C>T, p.Arg94Cys (NM_000902.5, NM_001354642.2, NM_001354643.1 and 2 more transcripts); short protein forms R94C.
Identifiers: ClinVar variation 1335543 (VCV001335543.40), dbSNP rs184108383, ClinGen allele CA355127536.

ClinVar aggregate classification (germline): Uncertain significance. Review status: criteria provided, multiple submitters, no conflicts (2 of 4 stars). 3 submissions from 3 submitters: Uncertain significance (3). Last evaluated 2026-06-24.

Conditions:
Inborn genetic diseases. Identifiers: MedGen C0950123, MeSH D030342.

Allele frequency attached by ClinVar (database versions not stated): gnomAD 0.00001; TOPMed 0.00006.
gnomAD v4.1: 8 of 1,613,960 alleles (0.0005%); highest among the groups gnomAD compares: South Asian, 0.0033%; no homozygotes.

Submissions (3):

Ambry Genetics
Classification: Uncertain significance for Inborn genetic diseases. Last evaluated: 2026-06-24. Review status: criteria provided, single submitter. Criteria: Ambry Variant Classification Scheme 2023. Collection method: clinical testing. Allele origin: germline.

Labcorp Genetics (formerly Invitae), Labcorp
Classification: Uncertain significance. Last evaluated: 2023-08-17. Review status: criteria provided, single submitter. Criteria: Invitae Variant Classification Sherloc (09022015). Collection method: clinical testing. Allele origin: germline.
Comment: This variant has not been reported in the literature in individuals affected with MME-related conditions. This variant is not present in population databases (gnomAD no frequency). This sequence change replaces arginine, which is basic and polar, with cysteine, which is neutral and slightly polar, at codon 94 of the MME protein (p.Arg94Cys). ClinVar contains an entry for this variant (Variation ID: 1335543). In summary, the available evidence is currently insufficient to determine the role of this variant in disease. Therefore, it has been classified as a Variant of Uncertain Significance. Advanced modeling of protein sequence and biophysical properties (such as structural, functional, and spatial information, amino acid conservation, physicochemical variation, residue mobility, and thermodynamic stability) has been performed at Invitae for this missense variant, however the output from this modeling did not meet the statistical confidence thresholds required to predict the impact of this variant on MME protein function.

CeGaT Center for Human Genetics Tuebingen
Classification: Uncertain significance. Last evaluated: 2021-11-01. Review status: criteria provided, single submitter. Criteria: CeGaT Center For Human Genetics Tuebingen Variant Classification Criteria Version 2. Collection method: clinical testing. Allele origin: germline. Affected: yes. Observed: 1 variant allele.